The following is an entry in ClinVar:

NM_000271.5(NPC1):c.3802A>G (p.Lys1268Glu)

Gene: NPC1 (NPC intracellular cholesterol transporter 1; minus strand). Cytogenetic location: 18q11.2.
Variant type: single nucleotide variant.
Coding change: c.3802A>G on transcript NM_000271.5 (MANE Select); coding-DNA position 3802, A replaced by G.
Protein change: p.Lys1268Glu; replaces lysine 1268 with glutamic acid.
Molecular consequence: missense variant.
Genome position (GRCh38, 1-based): chr18:23,532,237, T>C on the plus strand (A>G on the coding strand, the complement: NPC1 is on the minus strand). VCF-style: chr18-23532237-T-C. GRCh37 (hg19) VCF-style: chr18-21112201-T-C.
Other names: short protein forms K1268E.
Identifiers: ClinVar variation 968009 (VCV000968009.5), dbSNP rs988215442, ClinGen allele CA297075187.

ClinVar aggregate classification (germline): Uncertain significance. Review status: criteria provided, multiple submitters, no conflicts (2 of 4 stars). 2 submissions from 2 submitters: Uncertain significance (2). Last evaluated 2026-02-18.

Conditions:
Niemann-Pick disease, type C1. Also called: NEUROVISCERAL STORAGE DISEASE WITH VERTICAL SUPRANUCLEAR OPHTHALMOPLEGIA; NIEMANN-PICK DISEASE WITH CHOLESTEROL ESTERIFICATION BLOCK; NIEMANN-PICK DISEASE WITHOUT SPHINGOMYELINASE DEFICIENCY; NIEMANN-PICK DISEASE, CHRONIC NEURONOPATHIC FORM; NIEMANN-PICK DISEASE, VARIANT TYPE C1. Identifiers: Orphanet 646, MedGen C3179455, MONDO:0009757, OMIM 257220.

Allele frequency attached by ClinVar (database versions not stated): TOPMed 0.00001.
gnomAD v4.1: 4 of 1,614,176 alleles (0.00025%); highest among the groups gnomAD compares: Non-Finnish European, 0.00025%; no homozygotes.

Submissions (2):

Dasa
Classification: Uncertain significance. Last evaluated: 2026-02-18. Review status: criteria provided, single submitter. Criteria: DASA Assertion Criteria. Collection method: clinical testing. Allele origin: germline.
Comment: NM_000271.5(NPC1):c.3802A>G (p.Lys1268Glu) is a missense variant that results in the substitution of lysine with glutamic acid. This variant is rare in population databases. Computational prediction algorithms are consistent with a benign effect. The currently available literature and clinical evidence are not sufficient to establish a definitive association between this variant and the reported condition. Therefore, this variant is classified as a variant of uncertain significance.

Labcorp Genetics (formerly Invitae), Labcorp
Classification: Uncertain significance for Niemann-Pick disease, type C1. Last evaluated: 2021-08-30. Review status: criteria provided, single submitter. Criteria: Invitae Variant Classification Sherloc (09022015). Collection method: clinical testing. Allele origin: germline.
Comment: This sequence change replaces lysine with glutamic acid at codon 1268 of the NPC1 protein (p.Lys1268Glu). The lysine residue is weakly conserved and there is a small physicochemical difference between lysine and glutamic acid. This variant is not present in population databases (ExAC no frequency). This variant has not been reported in the literature in individuals affected with NPC1-related conditions. Algorithms developed to predict the effect of missense changes on protein structure and function (SIFT, PolyPhen-2, Align-GVGD) all suggest that this variant is likely to be tolerated. In summary, the available evidence is currently insufficient to determine the role of this variant in disease. Therefore, it has been classified as a Variant of Uncertain Significance.